The following is an entry in ClinVar:

NM_003070.5(SMARCA2):c.215A>C (p.Gln72Pro)

Gene: SMARCA2 (SWI/SNF related BAF chromatin remodeling complex subunit ATPase 2; plus strand). Cytogenetic location: 9p24.3.
Variant type: single nucleotide variant.
Coding change: c.215A>C on transcript NM_003070.5 (MANE Select); coding-DNA position 215, A replaced by C.
Protein change: p.Gln72Pro; replaces glutamine 72 with proline.
Molecular consequence: missense variant.
Genome position (GRCh38, 1-based): chr9:2,029,237, A>C. VCF-style: chr9-2029237-A-C. GRCh37 (hg19) VCF-style: chr9-2029237-A-C.
Other names: c.215A>C, p.Gln72Pro (NM_001289396.2, NM_001289397.2, NM_139045.4); short protein forms Q72P.
Identifiers: ClinVar variation 3040463 (VCV003040463.2), dbSNP rs1414940091, ClinGen allele CA372779398.

ClinVar aggregate classification (germline): Uncertain significance (0 of 4 stars; one submission).

Conditions:
SMARCA2-related disorder. Also called: SMARCA2-related condition.

Allele frequency attached by ClinVar (database versions not stated): TOPMed below 0.00001; gnomAD 0.00001.
gnomAD v4.1: 3 of 1,610,862 alleles (0.00019%); highest among the groups gnomAD compares: Non-Finnish European, 0.00017%; no homozygotes.

Submission:

PreventionGenetics, part of Exact Sciences
Classification: Uncertain significance for SMARCA2-related condition. Last evaluated: 2023-12-14. Review status: no assertion criteria provided. Collection method: clinical testing. Allele origin: germline.
Comment: The SMARCA2 c.215A>C variant is predicted to result in the amino acid substitution p.Gln72Pro. To our knowledge, this variant has not been reported in the literature or in a large population database, indicating this variant is rare. At this time, the clinical significance of this variant is uncertain due to the absence of conclusive functional and genetic evidence.